The following is an entry in ClinVar:

NM_005956.4(MTHFD1):c.218C>G (p.Pro73Arg)

Gene: MTHFD1 (methylenetetrahydrofolate dehydrogenase, cyclohydrolase and formyltetrahydrofolate synthetase 1; plus strand). Cytogenetic location: 14q23.3.
Variant type: single nucleotide variant.
Coding change: c.218C>G on transcript NM_005956.4 (MANE Select); coding-DNA position 218, C replaced by G.
Protein change: p.Pro73Arg; replaces proline 73 with arginine.
Molecular consequence: missense variant.
Genome position (GRCh38, 1-based): chr14:64,412,503, C>G. VCF-style: chr14-64412503-C-G. GRCh37 (hg19) VCF-style: chr14-64879221-C-G.
Other names: c.218C>G, p.Pro73Arg (NM_001364837.1); short protein forms P73R.
Identifiers: ClinVar variation 1931581 (VCV001931581.4), dbSNP rs75108146, ClinGen allele CA389969565.

ClinVar aggregate classification (germline): Uncertain significance (1 of 4 stars; one submission).

Allele frequency attached by ClinVar (database versions not stated): TOPMed below 0.00001.

Submission:

Labcorp Genetics (formerly Invitae), Labcorp
Classification: Uncertain significance. Last evaluated: 2022-06-22. Review status: criteria provided, single submitter. Criteria: Invitae Variant Classification Sherloc (09022015). Collection method: clinical testing. Allele origin: germline.
Comment: This sequence change replaces proline, which is neutral and non-polar, with arginine, which is basic and polar, at codon 73 of the MTHFD1 protein (p.Pro73Arg). This variant is not present in population databases (gnomAD no frequency). This variant has not been reported in the literature in individuals affected with MTHFD1-related conditions. Algorithms developed to predict the effect of missense changes on protein structure and function (SIFT, PolyPhen-2, Align-GVGD) all suggest that this variant is likely to be disruptive. In summary, the available evidence is currently insufficient to determine the role of this variant in disease. Therefore, it has been classified as a Variant of Uncertain Significance.